The following is an entry in ClinVar:

NM_000179.3(MSH6):c.3556G>T (p.Gly1186Cys)

Gene: MSH6 (mutS homolog 6; plus strand). Cytogenetic location: 2p16.3.
Variant type: single nucleotide variant.
Coding change: c.3556G>T on transcript NM_000179.3 (MANE Select); coding-DNA position 3556, G replaced by T.
Protein change: p.Gly1186Cys; replaces glycine 1186 with cysteine.
Molecular consequence: missense variant. On other transcripts: non-coding transcript variant (4).
Genome position (GRCh38, 1-based): chr2:47,805,027, G>T. VCF-style: chr2-47805027-G-T. GRCh37 (hg19) VCF-style: chr2-48032166-G-T.
Other names: c.3259G>T, p.Gly1087Cys (NM_001406801.1, NM_001406805.1, NM_001406818.1 and 10 more transcripts); c.3652G>T, p.Gly1218Cys (NM_001406802.1, NM_001406795.1); c.2692G>T, p.Gly898Cys (NM_001406803.1); c.3478G>T, p.Gly1160Cys (NM_001406804.1); c.3031G>T, p.Gly1011Cys (NM_001406806.1, NM_001406807.1, NM_001406799.1); c.3556G>T, p.Gly1186Cys (NM_001406808.1, NM_001406809.1, NM_001406796.1 and 1 more transcripts); c.2650G>T, p.Gly884Cys (NM_001406811.1, NM_001406812.1, NM_001406814.1 and 6 more transcripts); c.3562G>T, p.Gly1188Cys (NM_001406813.1); and 7 more; short protein forms G113C, G1160C, G1188C, G135C, G1128C, G1130C, G1186C, G1218C.
Identifiers: ClinVar variation 2764530 (VCV002764530.3), dbSNP rs1060502909, ClinGen allele CA346760279.

ClinVar aggregate classification (germline): Uncertain significance (1 of 4 stars; one submission).

Conditions:
Hereditary nonpolyposis colorectal neoplasms. Identifiers: MedGen C0009405, MeSH D003123.

Submission:

Labcorp Genetics (formerly Invitae), Labcorp
Classification: Uncertain significance for Hereditary nonpolyposis colorectal neoplasms. Last evaluated: 2023-09-30. Review status: criteria provided, single submitter. Criteria: Invitae Variant Classification Sherloc (09022015). Collection method: clinical testing. Allele origin: germline.
Comment: This variant is not present in population databases (gnomAD no frequency). This variant has not been reported in the literature in individuals affected with MSH6-related conditions. An algorithm developed to predict the effect of missense changes on protein structure and function (PolyPhen-2) suggests that this variant is likely to be disruptive. This sequence change replaces glycine, which is neutral and non-polar, with cysteine, which is neutral and slightly polar, at codon 1186 of the MSH6 protein (p.Gly1186Cys). This variant also falls at the last nucleotide of exon 6, which is part of the consensus splice site for this exon. In summary, the available evidence is currently insufficient to determine the role of this variant in disease. Therefore, it has been classified as a Variant of Uncertain Significance. Variants that disrupt the consensus splice site are a relatively common cause of aberrant splicing (PMID: 17576681, 9536098).

Literature cited by the submitters: PubMed 17576681; PubMed 9536098.